The following is an entry in ClinVar:

ClinVar aggregate classification (germline): Uncertain significance (1 of 4 stars; one submission).

Submission:

Labcorp Genetics (formerly Invitae), Labcorp
Classification: Uncertain significance. Last evaluated: 2022-04-08. Review status: criteria provided, single submitter. Criteria: Invitae Variant Classification Sherloc (09022015). Collection method: clinical testing. Allele origin: germline.
Comment: In summary, the available evidence is currently insufficient to determine the role of this variant in disease. Therefore, it has been classified as a Variant of Uncertain Significance. Algorithms developed to predict the effect of missense changes on protein structure and function output the following: SIFT: "Deleterious"; PolyPhen-2: "Benign"; Align-GVGD: "Class C0". The threonine amino acid residue is found in multiple mammalian species, which suggests that this missense change does not adversely affect protein function. This variant has not been reported in the literature in individuals affected with IL12RB2-related conditions. This variant is not present in population databases (gnomAD no frequency). This sequence change replaces alanine, which is neutral and non-polar, with threonine, which is neutral and polar, at codon 237 of the IL12RB2 protein (p.Ala237Thr).

NM_001374259.2(IL12RB2):c.709G>A (p.Ala237Thr)

Gene: IL12RB2 (interleukin 12 receptor subunit beta 2; plus strand). Cytogenetic location: 1p31.3.
Variant type: single nucleotide variant.
Coding change: c.709G>A on transcript NM_001374259.2 (MANE Select); coding-DNA position 709, G replaced by A.
Protein change: p.Ala237Thr; replaces alanine 237 with threonine.
Molecular consequence: missense variant. On other transcripts: non-coding transcript variant (2).
Genome position (GRCh38, 1-based): chr1:67,329,631, G>A. VCF-style: chr1-67329631-G-A. GRCh37 (hg19) VCF-style: chr1-67795314-G-A.
Other names: c.709G>A, p.Ala237Thr (NM_001258214.1, NM_001258215.1, NM_001258216.1 and 2 more transcripts); short protein forms A237T.
Identifiers: ClinVar variation 2123219 (VCV002123219.4), dbSNP rs777500826, ClinGen allele CA340733717.
Genomic context (GRCh38, chr1:67,329,631, plus strand): 5'-TTGTCCTGGTTACTAGTGAGGCCTCTTCCTCCGTGGGACATTAGAATCAAATTTCAAAAG[G>A]CTTCTGTGAGCAGATGTACCCTTTATTGGAGAGATGAGGGACTGGTACTGCTTAATCGAC-3'
Protein context (NP_001361188.1, residues 227-247): PWDIRIKFQK[Ala237Thr]SVSRCTLYWR